The following is an entry in ClinVar:

NM_003673.4(TCAP):c.111-15dup

Gene: TCAP (titin-cap; plus strand). Cytogenetic location: 17q12.
Variant type: Duplication.
Coding change: c.111-15dup on transcript NM_003673.4 (MANE Select); 15 bases into the intron before coding-DNA position 111, one base duplicated (C; older notation c.111-15dupC).
Molecular consequence: intron variant (on NM_003673.3).
Genome position (GRCh38, 1-based): chr17:39,665,701, C duplicated; the last of 4 consecutive C bases (chr17:39,665,698-39,665,701); duplicating any one gives the same sequence. VCF-style (leftmost placement, unchanged base first): chr17-39665697-G-GC. GRCh37 (hg19) VCF-style: chr17-37821950-G-GC.
Other names: c.111-15_111-14insC (NM_003673.3); c.111-15dupC (NM_003673.3).
Identifiers: ClinVar variation 44702 (VCV000044702.14), dbSNP rs397516860, ClinGen allele CA134913.

ClinVar aggregate classification (germline): Benign/Likely benign. Review status: criteria provided, multiple submitters, no conflicts (2 of 4 stars). 2 submissions from 2 submitters: Benign (1); Likely benign (1). Last evaluated 2026-01-25.

Conditions:
Hypertrophic cardiomyopathy 25 (CMH25). Also called: CARDIOMYOPATHY, FAMILIAL HYPERTROPHIC, 25. Identifiers: MedGen C4225408, MONDO:0011843, OMIM 607487.
Primary familial hypertrophic cardiomyopathy (HCM). Identifiers: Orphanet 99739, MedGen C0949658, MeSH D024741, MONDO:0024573. Inheritance: Various modes of inheritance.

Submissions (2):

Labcorp Genetics (formerly Invitae), Labcorp
Classification: Benign for Hypertrophic cardiomyopathy 25; Primary familial hypertrophic cardiomyopathy. Last evaluated: 2026-01-25. Review status: criteria provided, single submitter. Criteria: Invitae Variant Classification Sherloc (09022015). Collection method: clinical testing. Allele origin: germline.

Laboratory for Molecular Medicine, Mass General Brigham Personalized Medicine
Classification: Likely benign. Last evaluated: 2019-09-24. Review status: criteria provided, single submitter. Criteria: LMM Criteria. Collection method: clinical testing. Allele origin: germline. Observed: 1 variant allele.
Comment: The c.111-15dupC variant in TCAP is classified as likely benign because it is does not impact the splice consensus sequence and computational splice prediction tools do not predict an impact on splicing. It has been identified in 0.03% (4/14490) of African chromosomes by gnomAD. ACMG/AMP Criteria applied: BP4, BP7.